The following is an entry in ClinVar:

NM_000089.4(COL1A2):c.830G>T (p.Gly277Val)

Gene: COL1A2 (collagen type I alpha 2 chain; plus strand). Cytogenetic location: 7q21.3.
Variant type: single nucleotide variant.
Coding change: c.830G>T on transcript NM_000089.4 (MANE Select); coding-DNA position 830, G replaced by T.
Protein change: p.Gly277Val; replaces glycine 277 with valine.
Molecular consequence: missense variant.
Genome position (GRCh38, 1-based): chr7:94,409,359, G>T. VCF-style: chr7-94409359-G-T. GRCh37 (hg19) VCF-style: chr7-94038671-G-T.
Other names: short protein forms G277V.
Identifiers: ClinVar variation 967753 (VCV000967753.9), dbSNP rs752431578, ClinGen allele CA368220611.

ClinVar aggregate classification (germline): Pathogenic (1 of 4 stars; one submission).

Conditions:
Osteogenesis imperfecta type I (OI1). Also called: OI, TYPE I; OSTEOGENESIS IMPERFECTA TARDA; OSTEOGENESIS IMPERFECTA WITH BLUE SCLERAE; Osteogenesis imperfecta type 1; Classic Non-deforming Osteogenesis Imperfecta with Blue Sclerae; Lobstein's Disease. Identifiers: Orphanet 216796, Orphanet 666, MedGen C0023931, MONDO:0008146, OMIM 166200. Disease mechanism: loss of function.
Ehlers-Danlos syndrome, classic type, 1 (EDSCL1). Also called: EHLERS-DANLOS SYNDROME, GRAVIS TYPE; EHLERS-DANLOS SYNDROME, SEVERE CLASSIC TYPE; EDS I; Ehlers-Danlos Syndrome, Classic Type, COL5A1-Related; Ehlers-Danlos syndrome, type 1. Identifiers: MedGen C0268335, MONDO:0019567, OMIM 130000.

Submission:

Labcorp Genetics (formerly Invitae), Labcorp
Classification: Pathogenic for Osteogenesis imperfecta type I; Ehlers-Danlos syndrome, classic type, 1. Last evaluated: 2021-11-14. Review status: criteria provided, single submitter. Criteria: Invitae Variant Classification Sherloc (09022015). Collection method: clinical testing. Allele origin: germline.
Comment: For these reasons, this variant has been classified as Pathogenic. This variant disrupts the p.Gly277 amino acid residue in COL1A2. Other variant(s) that disrupt this residue have been observed in individuals with COL1A2-related conditions (PMID: 30715774), which suggests that this may be a clinically significant amino acid residue. This variant disrupts the triple helix domain of COL1A2. Glycine residues within the Gly-Xaa-Yaa repeats of the triple helix domain are required for the structure and stability of fibrillar collagens (PMID: 7695699, 8218237, 19344236). In COL1A2, variants affecting these glycine residues are significantly enriched in individuals with disease (PMID: 9016532, 17078022) compared to the general population (ExAC). This sequence change replaces glycine, which is neutral and non-polar, with valine, which is neutral and non-polar, at codon 277 of the COL1A2 protein (p.Gly277Val). Advanced modeling of protein sequence and biophysical properties (such as structural, functional, and spatial information, amino acid conservation, physicochemical variation, residue mobility, and thermodynamic stability) performed at Invitae indicates that this missense variant is expected to disrupt COL1A2 protein function. ClinVar contains an entry for this variant (Variation ID: 967753). This missense change has been observed in individual(s) with autosomal dominant osteogenesis imperectca (Invitae). This variant is not present in population databases (gnomAD no frequency).

Literature cited by the submitters: PubMed 30715774; PubMed 7695699; PubMed 8218237; PubMed 19344236; PubMed 9016532; PubMed 17078022.